The following is an entry in ClinVar:

ClinVar aggregate classification (germline): Likely pathogenic. Review status: criteria provided, multiple submitters, no conflicts (2 of 4 stars). 2 submissions from 2 submitters: Likely pathogenic (2). Last evaluated 2025-04-12.

Conditions:
Stuve-Wiedemann syndrome (STWS). Also called: Stüve-Wiedemann syndrome. Identifiers: Orphanet 3206, MedGen C0796176, MONDO:0031280.

Allele frequency attached by ClinVar (database versions not stated): gnomAD exomes below 0.00001; TOPMed below 0.00001; ExAC 0.00001; gnomAD 0.00001; 1000 Genomes Project 30x 0.00016; 1000 Genomes Project 0.00020.
gnomAD v4.1: 1 of 1,563,832 alleles (0.000064%); highest among the groups gnomAD compares: Non-Finnish European, 0.000088%; no homozygotes.

Submissions (2):

Natera, Inc.
Classification: Likely pathogenic for Stuve-Wiedemann syndrome. Last evaluated: 2025-04-12. Review status: criteria provided, single submitter. Criteria: Natera Variant Classification Schema (03/2026). Collection method: clinical testing. Allele origin: germline.
Comment: The c.258-2A>C variant in LIFR is a canonical splice acceptor site variant predicted to affect pre-mRNA splicing, which may result in an abnormal transcript and altered protein product. This variant is expected to result in nonsense mediated decay, truncation, or a dysfunctional protein product. This variant is rare in the general population with a frequency below the threshold expected for the associated phenotype(s). Given the available evidence, this variant is classified as Likely Pathogenic.

Labcorp Genetics (formerly Invitae), Labcorp
Classification: Likely pathogenic. Last evaluated: 2022-12-17. Review status: criteria provided, single submitter. Criteria: Invitae Variant Classification Sherloc (09022015). Collection method: clinical testing. Allele origin: germline.
Comment: This sequence change affects an acceptor splice site in intron 3 of the LIFR gene. It is expected to disrupt RNA splicing. Variants that disrupt the donor or acceptor splice site typically lead to a loss of protein function (PMID: 16199547), and loss-of-function variants in LIFR are known to be pathogenic (PMID: 14740318). This variant is present in population databases (rs201621131, gnomAD 0.0009%). This variant has not been reported in the literature in individuals affected with LIFR-related conditions. ClinVar contains an entry for this variant (Variation ID: 1068236). Algorithms developed to predict the effect of sequence changes on RNA splicing suggest that this variant may disrupt the consensus splice site. In summary, the currently available evidence indicates that the variant is pathogenic, but additional data are needed to prove that conclusively. Therefore, this variant has been classified as Likely Pathogenic.

Literature cited by the submitters: PubMed 16199547 (cited by Labcorp Genetics (formerly Invitae), Labcorp); PubMed 14740318 (cited by Labcorp Genetics (formerly Invitae), Labcorp).

NM_001127671.2(LIFR):c.258-2A>C

Gene: LIFR (LIF receptor subunit alpha; minus strand). Cytogenetic location: 5p13.1.
Variant type: single nucleotide variant.
Coding change: c.258-2A>C on transcript NM_001127671.2 (MANE Select); the canonical splice acceptor site of the intron before coding-DNA position 258, A replaced by C.
Molecular consequence: splice acceptor variant.
Genome position (GRCh38, 1-based): chr5:38,527,296, T>G on the plus strand (A>C on the coding strand, the complement: LIFR is on the minus strand). VCF-style: chr5-38527296-T-G. GRCh37 (hg19) VCF-style: chr5-38527398-T-G.
Other names: c.258-2A>C (NM_002310.6, NM_001364298.2, NM_001364297.2 and 1 more transcripts).
Identifiers: ClinVar variation 1068236 (VCV001068236.9), dbSNP rs201621131, ClinGen allele CA3243278.